The following is an entry in ClinVar:

ClinVar aggregate classification (germline): Uncertain significance (1 of 4 stars; one submission).

Conditions:
Inborn genetic diseases. Identifiers: MedGen C0950123, MeSH D030342.

Submission:

Ambry Genetics
Classification: Uncertain significance for Inborn genetic diseases. Last evaluated: 2025-02-28. Review status: criteria provided, single submitter. Criteria: Ambry Variant Classification Scheme 2023. Collection method: clinical testing. Allele origin: germline.
Comment: The p.E663Q variant (also known as c.1987G>C), located in coding exon 1 of the SAMD9L gene, results from a G to C substitution at nucleotide position 1987. The glutamic acid at codon 663 is replaced by glutamine, an amino acid with highly similar properties. This amino acid position is conserved. In addition, this alteration is predicted to be tolerated by in silico analysis. Based on the available evidence, the clinical significance of this variant remains unclear.

NM_152703.5(SAMD9L):c.1987G>C (p.Glu663Gln)

Gene: SAMD9L (sterile alpha motif domain containing 9 like; minus strand). Cytogenetic location: 7q21.2.
Variant type: single nucleotide variant.
Coding change: c.1987G>C on transcript NM_152703.5 (MANE Select); coding-DNA position 1987, G replaced by C.
Protein change: p.Glu663Gln; replaces glutamic acid 663 with glutamine.
Molecular consequence: missense variant.
Genome position (GRCh38, 1-based): chr7:93,133,985, C>G on the plus strand (G>C on the coding strand, the complement: SAMD9L is on the minus strand). VCF-style: chr7-93133985-C-G. GRCh37 (hg19) VCF-style: chr7-92763298-C-G.
Other names: c.1987G>C, p.Glu663Gln (NM_001303496.3, NM_001303497.3, NM_001303498.3 and 5 more transcripts); short protein forms E663Q.
Identifiers: ClinVar variation 3792469 (VCV003792469.1).
Genomic context (GRCh38, chr7:93,133,985, plus strand): 5'-TTGATTTCTTAAACTCCAGGAATTTAGATTTGTCTTTCTCGATGTCTGTCTCTGTACACT[C>G]ATTTTCACAGAGGATTTCCAGTGCAGTCAAGACATCCTCTTTCTTTTTCTCTAGGATAAC-3'
Protein context (NP_689916.2, residues 653-673): LTALEILCEN[Glu663Gln]CTETDIEKDK